The following is an entry in ClinVar:

ClinVar aggregate classification (germline): Likely benign (0 of 4 stars; one submission).

Conditions:
FBN3-related disorder. Also called: FBN3-related condition.

Allele frequency attached by ClinVar (database versions not stated): gnomAD 0.00004.
gnomAD v4.1: 38 of 1,613,754 alleles (0.0024%); highest among the groups gnomAD compares: East Asian, 0.022%; no homozygotes.

Submission:

PreventionGenetics, part of Exact Sciences
Classification: Likely benign for FBN3-related condition. Last evaluated: 2019-06-05. Review status: no assertion criteria provided. Collection method: clinical testing. Allele origin: germline.
Comment: This variant is classified as likely benign based on ACMG/AMP sequence variant interpretation guidelines (Richards et al. 2015 PMID: 25741868, with internal and published modifications).

NM_032447.5(FBN3):c.1202-5C>T

Gene: FBN3 (fibrillin 3; minus strand). Cytogenetic location: 19p13.2.
Variant type: single nucleotide variant.
Coding change: c.1202-5C>T on transcript NM_032447.5 (MANE Select); 5 bases into the intron before coding-DNA position 1202, C replaced by T.
Molecular consequence: intron variant.
Genome position (GRCh38, 1-based): chr19:8,136,536, G>A on the plus strand (C>T on the coding strand, the complement: FBN3 is on the minus strand). VCF-style: chr19-8136536-G-A. GRCh37 (hg19) VCF-style: chr19-8201420-G-A.
Other names: c.1202-5C>T (NM_001321431.2).
Identifiers: ClinVar variation 3044539 (VCV003044539.2), dbSNP rs763770874, ClinGen allele CA9153423.
Genomic context (GRCh38, chr19:8,136,536, plus strand): 5'-ACACAGGTTGGTGAAGTGTCGGCAGATGTCAATGGTCTGGTTCAGGGTAGCAGTGCCTAC[G>A]GGTGGGGCCGGCAGAGGCATCTGAGCAGTGGCTGGCCCCGCCCCAGTCTGGAGCCTGGGC-3'